The following is an entry in ClinVar:

NM_001408.3(CELSR2):c.6562G>A (p.Glu2188Lys)

Gene: CELSR2 (cadherin EGF LAG seven-pass G-type receptor 2; plus strand). Cytogenetic location: 1p13.3.
Variant type: single nucleotide variant.
Coding change: c.6562G>A on transcript NM_001408.3 (MANE Select); coding-DNA position 6562, G replaced by A.
Protein change: p.Glu2188Lys; replaces glutamic acid 2188 with lysine.
Molecular consequence: missense variant.
Genome position (GRCh38, 1-based): chr1:109,268,939, G>A. VCF-style: chr1-109268939-G-A. GRCh37 (hg19) VCF-style: chr1-109811561-G-A.
Other names: c.6562G>A (NM_001408.2); short protein forms E2188K.
Identifiers: ClinVar variation 2185467 (VCV002185467.5), dbSNP rs139795794, ClinGen allele CA987928.

ClinVar aggregate classification (germline): Uncertain significance. Review status: criteria provided, multiple submitters, no conflicts (2 of 4 stars). 2 submissions from 2 submitters: Uncertain significance (2). Last evaluated 2025-02-20.

Allele frequency attached by ClinVar (database versions not stated): ExAC 0.00001; TOPMed 0.00001; gnomAD 0.00002; gnomAD exomes 0.00002; ESP Exome Variant Server 0.00008.
gnomAD v4.1: 29 of 1,613,460 alleles (0.0018%); highest among the groups gnomAD compares: Non-Finnish European, 0.0025%; no homozygotes.

Submissions (2):

Ambry Genetics
Classification: Uncertain significance. Last evaluated: 2025-02-20. Review status: criteria provided, single submitter. Criteria: Ambry Variant Classification Scheme 2023. Collection method: clinical testing. Allele origin: germline.

Labcorp Genetics (formerly Invitae), Labcorp
Classification: Uncertain significance. Last evaluated: 2022-06-07. Review status: criteria provided, single submitter. Criteria: Invitae Variant Classification Sherloc (09022015). Collection method: clinical testing. Allele origin: germline.
Comment: This variant has not been reported in the literature in individuals affected with CELSR2-related conditions. Algorithms developed to predict the effect of missense changes on protein structure and function are either unavailable or do not agree on the potential impact of this missense change (SIFT: "Deleterious"; PolyPhen-2: "Benign"; Align-GVGD: "Class C55"). In summary, the available evidence is currently insufficient to determine the role of this variant in disease. Therefore, it has been classified as a Variant of Uncertain Significance. This variant is present in population databases (rs139795794, gnomAD 0.003%). This sequence change replaces glutamic acid, which is acidic and polar, with lysine, which is basic and polar, at codon 2188 of the CELSR2 protein (p.Glu2188Lys).